The following is an entry in ClinVar:

NM_152594.3(SPRED1):c.1044_1045delinsCC (p.Val348_Arg349=)

Gene: SPRED1 (sprouty related EVH1 domain containing 1; plus strand). Cytogenetic location: 15q14.
Variant type: Indel.
Coding change: c.1044_1045delinsCC on transcript NM_152594.3 (MANE Select); coding-DNA positions 1044 to 1045, TA replaced by CC.
Protein change: p.Val348_Arg349=.
Molecular consequence: synonymous variant.
Genome position (GRCh38, 1-based): chr15:38,351,373-38,351,374, TA replaced by CC. VCF-style: chr15-38351373-TA-CC. GRCh37 (hg19) VCF-style: chr15-38643574-TA-CC.
Identifiers: ClinVar variation 3016507 (VCV003016507.3), dbSNP rs2542743687, ClinGen allele CA2740097250.

ClinVar aggregate classification (germline): Uncertain significance (1 of 4 stars; one submission).

Conditions:
Legius syndrome. Identifiers: Orphanet 137605, MedGen C1969623, MONDO:0012669, OMIM 611431. Disease mechanism: loss of function.

Submission:

Labcorp Genetics (formerly Invitae), Labcorp
Classification: Uncertain significance for Legius syndrome. Last evaluated: 2024-10-24. Review status: criteria provided, single submitter. Criteria: Invitae Variant Classification Sherloc (09022015). Collection method: clinical testing. Allele origin: germline.
Comment: This sequence change affects codon 348 of the SPRED1 mRNA. It is a 'silent' change, meaning that it does not change the encoded amino acid sequence of the SPRED1 protein. Information on the frequency of this variant in the gnomAD database is not available, as this variant may be reported differently in the database. This variant has not been reported in the literature in individuals affected with SPRED1-related conditions. Experimental studies and prediction algorithms are not available or were not evaluated, and the effect of this variant on mRNA splicing is currently unknown. In summary, the available evidence is currently insufficient to determine the role of this variant in disease. Therefore, it has been classified as a Variant of Uncertain Significance.